The following is an entry in ClinVar:

ClinVar aggregate classification (germline): Pathogenic (1 of 4 stars; one submission).

Conditions:
Renal carnitine transport defect (CDSP). Also called: Systemic primary carnitine deficiency disease; CARNITINE DEFICIENCY, SYSTEMIC, DUE TO DEFECT IN RENAL REABSORPTION OF CARNITINE; CARNITINE TRANSPORTER, PLASMA-MEMBRANE, DEFICIENCY OF; CARNITINE UPTAKE DEFECT; Carnitine transporter deficiency; Carnitine Deficiency, Systemic. Identifiers: Orphanet 158, MedGen C0342788, MONDO:0008919, OMIM 212140.

Submission:

Myriad Genetics, Inc.
Classification: Pathogenic for Renal carnitine transport defect. Last evaluated: 2025-06-09. Review status: criteria provided, single submitter. Criteria: Myriad Autosomal Dominant, Autosomal Recessive and X-Linked Classification Criteria (2023). Collection method: clinical testing. Allele origin: unknown.
Comment: NM_003060.3(SLC22A5):c.838_839del2ins6(S280Pfs*13) is a frameshift variant classified as pathogenic in the context of primary carnitine deficiency. S280Pfs*13 has not been observed in cases with relevant disease. Relevant functional assessments of this variant are not available in the literature. S280Pfs*13 has not been observed in referenced population frequency databases. In summary, NM_003060.3(SLC22A5):c.838_839del2ins6(S280Pfs*13) is a frameshift variant in a gene where loss of function is a known mechanism of disease and is predicted to disrupt protein function. Please note: this variant was assessed in the context of healthy population screening.

NM_003060.4(SLC22A5):c.838_839delinsCCATCA (p.Ser280fs)

Gene: SLC22A5 (solute carrier family 22 member 5; plus strand). Cytogenetic location: 5q31.1.
Variant type: Indel.
Coding change: c.838_839delinsCCATCA on transcript NM_003060.4 (MANE Select); coding-DNA positions 838 to 839, TC replaced by CCATCA.
Protein change: p.Ser280fs; shifts the reading frame from serine 280.
Molecular consequence: frameshift variant.
Genome position (GRCh38, 1-based): chr5:132,387,038-132,387,039, TC replaced by CCATCA. VCF-style: chr5-132387038-TC-CCATCA. GRCh37 (hg19) VCF-style: chr5-131722730-TC-CCATCA.
Other names: c.910_911delinsCCATCA, p.Ser304fs (NM_001308122.2); short protein forms S280fs, S304fs.
Identifiers: ClinVar variation 4081799 (VCV004081799.1).